The following is an entry in ClinVar:

ClinVar aggregate classification (germline): Pathogenic (1 of 4 stars; one submission).

Submission:

Labcorp Genetics (formerly Invitae), Labcorp
Classification: Pathogenic. Last evaluated: 2022-07-05. Review status: criteria provided, single submitter. Criteria: Invitae Variant Classification Sherloc (09022015). Collection method: clinical testing. Allele origin: germline.
Comment: This sequence change affects a donor splice site in intron 15 of the GLE1 gene. While this variant is not anticipated to result in nonsense mediated decay, it likely alters RNA splicing and results in a disrupted protein product. This variant is not present in population databases (gnomAD no frequency). This variant has not been reported in the literature in individuals affected with GLE1-related conditions. Variants that disrupt the consensus splice site are a relatively common cause of aberrant splicing (PMID: 17576681, 9536098). Algorithms developed to predict the effect of sequence changes on RNA splicing suggest that this variant may disrupt the consensus splice site. This variant disrupts a region of the GLE1 protein in which other variant(s) (p.Ile684Thr) have been determined to be pathogenic (PMID: 18204449, 28657126). This suggests that this is a clinically significant region of the protein, and that variants that disrupt it are likely to be disease-causing. For these reasons, this variant has been classified as Pathogenic.

Literature cited by the submitters: PubMed 17576681; PubMed 9536098; PubMed 18204449; PubMed 28657126.

NM_001003722.2(GLE1):c.2028+2T>C

Genes: GLE1 (GLE1 RNA export mediator; plus strand), LOC101929270 (uncharacterized LOC101929270; minus strand). Cytogenetic location: 9q34.11.
Variant type: single nucleotide variant.
Coding change: c.2028+2T>C on transcript NM_001003722.2 (MANE Select); the canonical splice donor site of the intron after coding-DNA position 2028, T replaced by C.
Molecular consequence: splice donor variant.
Genome position (GRCh38, 1-based): chr9:128,540,340, T>C. VCF-style: chr9-128540340-T-C. GRCh37 (hg19) VCF-style: chr9-131302619-T-C.
Other names: c.2055+2T>C (NM_001411013.1).
Identifiers: ClinVar variation 2049962 (VCV002049962.1), dbSNP rs2540650379, ClinGen allele CA375046301.
Genomic context (GRCh38, chr9:128,540,340, plus strand): 5'-AAGCTATCACAAGCTCAGGACAGATGGGCTCCTTCATACGCCTCAAGCAGTTCTTGGAGG[T>C]AAGATGCCCTTAGACCAACATGCCCCACACTGTTGTTGGGCTGGAATGCACCTATGTCTG-3'